The following is an entry in ClinVar:

ClinVar aggregate classification (germline): Uncertain significance. Review status: criteria provided, multiple submitters, no conflicts (2 of 4 stars). 3 submissions from 3 submitters: Uncertain significance (3). Last evaluated 2025-05-18.

Conditions:
Cardiomyopathy (CMYO). Also called: Cardiomyopathies. Identifiers: Orphanet 167848, MedGen C0878544, MONDO:0004994, HP:0001638. Inheritance: Various modes of inheritance.
Cardiovascular phenotype. Identifiers: MedGen CN230736.
Arrhythmogenic right ventricular dysplasia 8 (ARVD8). Also called: Arrhythmogenic Right Ventricular Dysplasia/Cardiomyopathy 8; ARRHYTHMOGENIC RIGHT VENTRICULAR DYSPLASIA, FAMILIAL, 8; ARRHYTHMOGENIC RIGHT VENTRICULAR CARDIOMYOPATHY 8. Identifiers: MedGen C1843896, MONDO:0011831, OMIM 607450.
Arrhythmogenic cardiomyopathy with wooly hair and keratoderma. Also called: PALMOPLANTAR KERATODERMA WITH LEFT VENTRICULAR CARDIOMYOPATHY AND WOOLLY HAIR; Dilated cardiomyopathy with woolly hair and keratoderma; Arrhythmogenic cardiomyopathy with woolly hair and keratoderma; Carvajal syndrome. Identifiers: Orphanet 65282, MedGen C1854063, MONDO:0011581, OMIM 605676.

Submissions (3):

Ambry Genetics
Classification: Uncertain significance for Cardiovascular phenotype. Last evaluated: 2025-05-18. Review status: criteria provided, single submitter. Criteria: Ambry Variant Classification Scheme 2023. Collection method: clinical testing. Allele origin: germline.

Labcorp Genetics (formerly Invitae), Labcorp
Classification: Uncertain significance for Arrhythmogenic cardiomyopathy with wooly hair and keratoderma; Arrhythmogenic right ventricular dysplasia 8. Last evaluated: 2024-07-31. Review status: criteria provided, single submitter. Criteria: Invitae Variant Classification Sherloc (09022015). Collection method: clinical testing. Allele origin: germline.
Comment: This sequence change replaces threonine, which is neutral and polar, with serine, which is neutral and polar, at codon 687 of the DSP protein (p.Thr687Ser). This variant is present in population databases (no rsID available, gnomAD 0.0009%). This variant has not been reported in the literature in individuals affected with DSP-related conditions. An algorithm developed to predict the effect of missense changes on protein structure and function outputs the following: PolyPhen-2: "Benign". The serine amino acid residue is found in multiple mammalian species, which suggests that this missense change does not adversely affect protein function. In summary, the available evidence is currently insufficient to determine the role of this variant in disease. Therefore, it has been classified as a Variant of Uncertain Significance.

Color Diagnostics, LLC DBA Color Health
Classification: Uncertain significance for Cardiomyopathy. Last evaluated: 2022-11-06. Review status: criteria provided, single submitter. Criteria: ACMG Guidelines, 2015. Collection method: clinical testing. Allele origin: germline.
Comment: This missense variant replaces threonine with serine at codon 687 of the DSP protein. Computational prediction suggests that this variant may not impact protein structure and function (internally defined REVEL score threshold <= 0.5, PMID: 27666373). To our knowledge, functional studies have not been reported for this variant. This variant has not been reported in individuals affected with DSP-related disorders in the literature. This variant has been identified in 1/251156 chromosomes in the general population by the Genome Aggregation Database (gnomAD). The available evidence is insufficient to determine the role of this variant in disease conclusively. Therefore, this variant is classified as a Variant of Uncertain Significance.

NM_004415.4(DSP):c.2059A>T (p.Thr687Ser)

Gene: DSP (desmoplakin; plus strand). Cytogenetic location: 6p24.3.
Variant type: single nucleotide variant.
Coding change: c.2059A>T on transcript NM_004415.4 (MANE Select); coding-DNA position 2059, A replaced by T.
Protein change: p.Thr687Ser; replaces threonine 687 with serine.
Molecular consequence: missense variant.
Genome position (GRCh38, 1-based): chr6:7,571,997, A>T. VCF-style: chr6-7571997-A-T. GRCh37 (hg19) VCF-style: chr6-7572230-A-T.
Other names: c.2059A>T, p.Thr687Ser (NM_001008844.3, NM_001319034.2); short protein forms T687S.
Identifiers: ClinVar variation 2775278 (VCV002775278.5), dbSNP rs1453986984, ClinGen allele CA362680465.